The following is an entry in ClinVar:

NM_005228.5(EGFR):c.2014C>T (p.His672Tyr)

Gene: EGFR (epidermal growth factor receptor; plus strand). Cytogenetic location: 7p11.2.
Variant type: single nucleotide variant.
Coding change: c.2014C>T on transcript NM_005228.5 (MANE Select); coding-DNA position 2014, C replaced by T.
Protein change: p.His672Tyr; replaces histidine 672 with tyrosine.
Molecular consequence: missense variant.
Genome position (GRCh38, 1-based): chr7:55,173,077, C>T. VCF-style: chr7-55173077-C-T. GRCh37 (hg19) VCF-style: chr7-55240770-C-T.
Other names: c.1879C>T, p.His627Tyr (NM_001346897.2, NM_001346899.2); c.2014C>T, p.His672Tyr (NM_001346898.2); c.1855C>T, p.His619Tyr (NM_001346900.2); c.1213C>T, p.His405Tyr (NM_001346941.2); short protein forms H619Y, H627Y, H672Y, H405Y.
Identifiers: ClinVar variation 2815866 (VCV002815866.3), dbSNP rs2128952592, ClinGen allele CA367583144.

ClinVar aggregate classification (germline): Uncertain significance (1 of 4 stars; one submission).

Conditions:
EGFR-related lung cancer (EGFR). Identifiers: MedGen CN130014.

Submission:

Labcorp Genetics (formerly Invitae), Labcorp
Classification: Uncertain significance for EGFR-related lung cancer. Last evaluated: 2022-11-23. Review status: criteria provided, single submitter. Criteria: Invitae Variant Classification Sherloc (09022015). Collection method: clinical testing. Allele origin: germline.
Comment: In summary, the available evidence is currently insufficient to determine the role of this variant in disease. Therefore, it has been classified as a Variant of Uncertain Significance. Advanced modeling of protein sequence and biophysical properties (such as structural, functional, and spatial information, amino acid conservation, physicochemical variation, residue mobility, and thermodynamic stability) performed at Invitae indicates that this missense variant is not expected to disrupt EGFR protein function. This variant has not been reported in the literature in individuals affected with EGFR-related conditions. This variant is not present in population databases (gnomAD no frequency). This sequence change replaces histidine, which is basic and polar, with tyrosine, which is neutral and polar, at codon 672 of the EGFR protein (p.His672Tyr).